The following is an entry in ClinVar:

ClinVar aggregate classification (germline): Pathogenic/Likely pathogenic. Review status: criteria provided, multiple submitters, no conflicts (2 of 4 stars). 4 submissions from 4 submitters: Pathogenic (1); Likely pathogenic (1). 2 of the submissions do not count toward it. Last evaluated 2024-02-07.

Conditions:
Malignant tumor of urinary bladder. Also called: Bladder cancer; Urinary bladder cancer; Urinary Bladder Neoplasms. Identifiers: MedGen C0005684, MONDO:0001187, OMIM 109800.
Tuberous sclerosis syndrome (TSC). Also called: Tuberous Sclerosis Complex; Tuberous sclerosis. Identifiers: Orphanet 805, MedGen C0041341, MONDO:0001734.

Submissions (4):

All of Us Research Program, National Institutes of Health
Classification: Likely pathogenic for Tuberous sclerosis syndrome. Last evaluated: 2024-02-07. Review status: criteria provided, single submitter. Criteria: ACMG Guidelines, 2015. Collection method: clinical testing. Allele origin: germline. Inheritance: Autosomal dominant inheritance. Observed: 1 variant allele, 1 heterozygote.
Comment: The c.2497C>T (p.Gln833*) variant of the TSC1 gene introduces a premature translation termination codon. It is predicted to result in an absent or disrupted protein product. This variant has been reported in individuals with tuberous sclerosis (PMID: 10363127, 9863590). Truncating variants in TSC1 gene are known to be pathogenic (PMID: 10363127, 10533067, 20399389). This variant is absent in the general population by the Genome Aggregation Database (gnomAD). ClinVar contains an entry for this variant (ID: 48963). Therefore, this variant is classified as likely pathogenic.

This study involves interpretation of variants in research participants for the purpose of population health screening. Participant phenotype was not available at the time of variant classification. Additional details can be found in publication PMID: 35346344, PMCID: PMC8962531

Quest Diagnostics Nichols Institute San Juan Capistrano
Classification: Pathogenic. Last evaluated: 2024-01-29. Review status: criteria provided, single submitter. Criteria: Quest Diagnostics criteria. Collection method: clinical testing. Allele origin: unknown.
Comment: The TSC1 c.2497C>T (p.Gln833*) variant causes the premature termination of TSC1 protein synthesis. This variant has been reported in the published literature in an individual with familial tuberous sclerosis complex (TSC) (PMID: 9863590 *1998)). This variant has not been reported in large, multi-ethnic general populations (Genome Aggregation Database). Based on the available information, this variant is classified as pathogenic.

Laboratory of Urology, Hospital Clinic de Barcelona
Classification: Pathogenic for Malignant tumor of urinary bladder. Review status: no assertion criteria provided. Collection method: research. Allele origin: somatic. Affected: yes. Not counted in ClinVar's aggregate classification.

Tuberous sclerosis database (TSC1)
No classification provided. Condition: TSC. Review status: no classification provided. Criteria: Tuberous Sclerosis Database Assertion Criteria 2015. Collection method: curation. Allele origin: germline. Affected: yes. Not counted in ClinVar's aggregate classification.

Literature cited by the submitters: PubMed 9863590 (cited by All of Us Research Program, National Institutes of Health and Quest Diagnostics Nichols Institute San Juan Capistrano); PubMed 10363127 (cited by All of Us Research Program, National Institutes of Health and Quest Diagnostics Nichols Institute San Juan Capistrano); PubMed 10533067 (cited by All of Us Research Program, National Institutes of Health); PubMed 20399389 (cited by All of Us Research Program, National Institutes of Health).

NM_000368.5(TSC1):c.2497C>T (p.Gln833Ter)

Gene: TSC1 (TSC complex subunit 1; minus strand). Cytogenetic location: 9q34.13.
Variant type: single nucleotide variant.
Coding change: c.2497C>T on transcript NM_000368.5 (MANE Select); coding-DNA position 2497, C replaced by T.
Protein change: p.Gln833Ter; replaces glutamine 833 with a stop codon.
Molecular consequence: nonsense.
Genome position (GRCh38, 1-based): chr9:132,901,594, G>A on the plus strand (C>T on the coding strand, the complement: TSC1 is on the minus strand). VCF-style: chr9-132901594-G-A. GRCh37 (hg19) VCF-style: chr9-135776981-G-A.
Other names: c.2494C>T, p.Gln832Ter (NM_001162426.2); c.2344C>T, p.Gln782Ter (NM_001162427.2); c.2134C>T, p.Gln712Ter (NM_001362177.2); short protein forms Q833*, Q832*, Q782*, Q712*.
Identifiers: ClinVar variation 48963 (VCV000048963.5), dbSNP rs118203700, ClinGen allele CA006516.